The following is an entry in ClinVar:

ClinVar aggregate classification (germline): Uncertain significance (1 of 4 stars; one submission).

Allele frequency attached by ClinVar (database versions not stated): gnomAD exomes 0.00001; TOPMed 0.00001.
gnomAD v4.1: 7 of 1,614,146 alleles (0.00043%); highest among the groups gnomAD compares: Admixed American, 0.0067%; no homozygotes.

Submission:

Labcorp Genetics (formerly Invitae), Labcorp
Classification: Uncertain significance. Last evaluated: 2023-09-24. Review status: criteria provided, single submitter. Criteria: Invitae Variant Classification Sherloc (09022015). Collection method: clinical testing. Allele origin: germline.
Comment: This sequence change replaces isoleucine, which is neutral and non-polar, with threonine, which is neutral and polar, at codon 364 of the ACTN1 protein (p.Ile364Thr). This variant is present in population databases (no rsID available, gnomAD 0.006%). In summary, the available evidence is currently insufficient to determine the role of this variant in disease. Therefore, it has been classified as a Variant of Uncertain Significance. Advanced modeling of protein sequence and biophysical properties (such as structural, functional, and spatial information, amino acid conservation, physicochemical variation, residue mobility, and thermodynamic stability) performed at Invitae indicates that this missense variant is expected to disrupt ACTN1 protein function. This variant has not been reported in the literature in individuals affected with ACTN1-related conditions.

NM_001130004.2(ACTN1):c.1091T>C (p.Ile364Thr)

Gene: ACTN1 (actinin alpha 1; minus strand). Cytogenetic location: 14q24.1.
Variant type: single nucleotide variant.
Coding change: c.1091T>C on transcript NM_001130004.2 (MANE Select); coding-DNA position 1091, T replaced by C.
Protein change: p.Ile364Thr; replaces isoleucine 364 with threonine.
Molecular consequence: missense variant.
Genome position (GRCh38, 1-based): chr14:68,890,282, A>G on the plus strand (T>C on the coding strand, the complement: ACTN1 is on the minus strand). VCF-style: chr14-68890282-A-G. GRCh37 (hg19) VCF-style: chr14-69356999-A-G.
Other names: c.1091T>C, p.Ile364Thr (NM_001424024.1, NM_001424025.1, NM_001424027.1 and 9 more transcripts); c.896T>C, p.Ile299Thr (NM_001424026.1, NM_001424028.1, NM_001411036.1); c.266T>C, p.Ile89Thr (NM_001424030.1); c.1088T>C, p.Ile363Thr (NM_001424017.1); c.1028T>C, p.Ile343Thr (NM_001424018.1, NM_001424020.1, NM_001424022.1); c.1022T>C, p.Ile341Thr (NM_001424021.1); c.1217T>C, p.Ile406Thr (NM_001424013.1); c.1178T>C, p.Ile393Thr (NM_001424015.1); short protein forms I341T, I393T, I299T, I89T, I406T, I343T, I363T, I364T.
Identifiers: ClinVar variation 2969897 (VCV002969897.3), dbSNP rs1054373483, ClinGen allele CA262857164.